The following is an entry in ClinVar:

ClinVar aggregate classification (germline): Uncertain significance (1 of 4 stars; one submission).

Conditions:
Combined immunodeficiency with skin granulomas. Identifiers: Orphanet 157949, MedGen C2673536, MONDO:0009306, OMIM 233650.
Severe combined immunodeficiency, autosomal recessive, T cell-negative, B cell-negative, NK cell-positive. Also called: SCID, T CELL-NEGATIVE, B CELL-NEGATIVE, NK CELL-POSITIVE; SCID, AR, T-cell negative, B-cell negative, NK cell-positive; Severe combined immunodeficiency due to complete RAG1/2 deficiency. Identifiers: Orphanet 331206, MedGen C1832322, MONDO:0011086, OMIM 601457.

Allele frequency attached by ClinVar (database versions not stated): ExAC 0.00002; gnomAD exomes 0.00002; gnomAD 0.00003; TOPMed 0.00003; 1000 Genomes Project 0.00020; 1000 Genomes Project 30x 0.00031.
gnomAD v4.1: 12 of 1,614,214 alleles (0.00074%); highest among the groups gnomAD compares: African/African-American, 0.0067%; no homozygotes.

Submission:

Labcorp Genetics (formerly Invitae), Labcorp
Classification: Uncertain significance for Combined immunodeficiency with skin granulomas; Severe combined immunodeficiency, autosomal recessive, T cell-negative, B cell-negative, NK cell-positive. Last evaluated: 2022-08-09. Review status: criteria provided, single submitter. Criteria: Invitae Variant Classification Sherloc (09022015). Collection method: clinical testing. Allele origin: germline.
Comment: This sequence change replaces lysine, which is basic and polar, with glutamine, which is neutral and polar, at codon 642 of the RAG1 protein (p.Lys642Gln). This variant is present in population databases (rs544726387, gnomAD 0.007%). This variant has not been reported in the literature in individuals affected with RAG1-related conditions. ClinVar contains an entry for this variant (Variation ID: 1404422). Advanced modeling of protein sequence and biophysical properties (such as structural, functional, and spatial information, amino acid conservation, physicochemical variation, residue mobility, and thermodynamic stability) performed at Invitae indicates that this missense variant is not expected to disrupt RAG1 protein function. In summary, the available evidence is currently insufficient to determine the role of this variant in disease. Therefore, it has been classified as a Variant of Uncertain Significance.

NM_000448.3(RAG1):c.1924A>C (p.Lys642Gln)

Gene: RAG1 (recombination activating 1; plus strand). Cytogenetic location: 11p12.
Variant type: single nucleotide variant.
Coding change: c.1924A>C on transcript NM_000448.3 (MANE Select); coding-DNA position 1924, A replaced by C.
Protein change: p.Lys642Gln; replaces lysine 642 with glutamine.
Molecular consequence: missense variant.
Genome position (GRCh38, 1-based): chr11:36,575,228, A>C. VCF-style: chr11-36575228-A-C. GRCh37 (hg19) VCF-style: chr11-36596778-A-C.
Other names: c.1924A>C, p.Lys642Gln (NM_001377277.1, NM_001377278.1, NM_001377279.1 and 1 more transcripts); short protein forms K642Q.
Identifiers: ClinVar variation 1404422 (VCV001404422.3), dbSNP rs544726387, ClinGen allele CA5950196.